The following is an entry in ClinVar:

ClinVar aggregate classification (germline): Benign. Review status: criteria provided, multiple submitters, no conflicts (2 of 4 stars). 2 submissions from 2 submitters: Benign (2). Last evaluated 2018-06-19.

Allele frequency attached by ClinVar (database versions not stated): TOPMed 0.50638; 1000 Genomes Project 30x 0.53061; 1000 Genomes Project 0.53714.
gnomAD v4.1: 77,788 of 151,940 alleles (51%); highest among the groups gnomAD compares: East Asian, 67%; 20,149 homozygotes.

Submissions (2):

GeneDx
Classification: Benign. Last evaluated: 2018-06-19. Review status: criteria provided, single submitter. Criteria: GeneDx Variant Classification (06012015). Collection method: clinical testing. Allele origin: germline. Affected: yes.
Comment: This variant is considered likely benign or benign based on one or more of the following criteria: it is a conservative change, it occurs at a poorly conserved position in the protein, it is predicted to be benign by multiple in silico algorithms, and/or has population frequency not consistent with disease.

Breakthrough Genomics
Classification: Benign. Review status: criteria provided, single submitter. Criteria: ACMG Guidelines, 2015. Collection method: not provided. Allele origin: germline. Inheritance: Autosomal dominant inheritance. Affected: yes.

NM_001130823.3(DNMT1):c.649-197T>C

Gene: DNMT1 (DNA methyltransferase 1; minus strand). Cytogenetic location: 19p13.2.
Variant type: single nucleotide variant.
Coding change: c.649-197T>C on transcript NM_001130823.3 (MANE Select); 197 bases into the intron before coding-DNA position 649, T replaced by C.
Molecular consequence: intron variant.
Genome position (GRCh38, 1-based): chr19:10,174,102, A>G on the plus strand (T>C on the coding strand, the complement: DNMT1 is on the minus strand). VCF-style: chr19-10174102-A-G. GRCh37 (hg19) VCF-style: chr19-10284778-A-G.
Other names: c.286-197T>C (NM_001318731.2); c.601-197T>C (NM_001379.4, NM_001318730.2).
Identifiers: ClinVar variation 679318 (VCV000679318.2), dbSNP rs759920, ClinGen allele CA14670314.